The following is an entry in ClinVar:

ClinVar aggregate classification (germline): Likely pathogenic (1 of 4 stars; one submission).

Conditions:
Marfan syndrome (MFS). Also called: Marfan syndrome, classic; FBN1-Related Marfan Syndrome; Marfan syndrome type 1; Marfan's syndrome; MARFAN SYNDROME, TYPE I. Identifiers: Orphanet 284963, Orphanet 558, MedGen C0024796, MONDO:0007947, OMIM 154700.

Allele frequency attached by ClinVar (database versions not stated): gnomAD exomes below 0.00001.
gnomAD v4.1: 1 of 1,575,024 alleles (0.000063%); highest among the groups gnomAD compares: Non-Finnish European, 0.000086%; no homozygotes.

Submission:

Laboratory for Molecular Medicine, Mass General Brigham Personalized Medicine
Classification: Likely pathogenic for Marfan syndrome. Last evaluated: 2013-09-24. Review status: criteria provided, single submitter. Criteria: LMM Criteria. Collection method: clinical testing. Allele origin: germline. Inheritance: Autosomal dominant inheritance. Observed: 1 variant allele.
Comment: The Asp1197His variant in FBN1 has been reported in one individual with clinical features of Marfan syndrome, in whom it was reported to have occurred de novo ( Stheneur 2009). Furthermore, this variant is located in the last base of th e exon, which is part of the 5? splice region. Computational tools predict this variant may alter splicing, though this information is not predictive enough to determine pathogenicity. In summary, this variant is likely to be pathogenic, th ough additional studies are required to fully establish its clinical significanc e.

Literature cited by the submitters: PubMed 19293843.

NM_000138.5(FBN1):c.3589G>C (p.Asp1197His)

Gene: FBN1 (fibrillin 1; minus strand). Cytogenetic location: 15q21.1.
Variant type: single nucleotide variant.
Coding change: c.3589G>C on transcript NM_000138.5 (MANE Select); coding-DNA position 3589, G replaced by C.
Protein change: p.Asp1197His; replaces aspartic acid 1197 with histidine.
Molecular consequence: missense variant.
Genome position (GRCh38, 1-based): chr15:48,487,075, C>G on the plus strand (G>C on the coding strand, the complement: FBN1 is on the minus strand). VCF-style: chr15-48487075-C-G. GRCh37 (hg19) VCF-style: chr15-48779272-C-G.
Other names: short protein forms D1197H.
Identifiers: ClinVar variation 179244 (VCV000179244.4), dbSNP rs397515793, ClinGen allele CA014329.